The following is an entry in ClinVar:

NM_003172.2(SURF1):c.-37C>T

Gene: SURF1 (SURF1 cytochrome c oxidase assembly factor; minus strand). Cytogenetic location: 9q34.2.
Variant type: single nucleotide variant.
Coding change: c.-37C>T on transcript NM_003172.2; 37 bases upstream of the start codon, C replaced by T.
Genome position: GRCh38 VCF-style: chr9-133356490-A-A. GRCh37 (hg19) VCF-style: chr9-136223366-G-A.
Identifiers: ClinVar variation 139377 (VCV000139377.8), dbSNP rs523304.
Genomic context (GRCh38, chr9:133,356,490, plus strand): 5'-CTGCAACGCAGCCACCGCCGCCATCGCACCCGGCCCCGCGGGCGCTTCCGGGACGCAGGA[A=]GCATCTGCATCCGGGGCGCCGCTGAGTCCCGCCCAGAGCCCCGCCCCCGGCTCCAGGTTC-3'

ClinVar aggregate classification (germline): Benign. Review status: criteria provided, multiple submitters, no conflicts (2 of 4 stars). 3 submissions from 3 submitters: Benign (3). Last evaluated 2017-04-27.

Conditions:
Leigh syndrome (NULS). Also called: Leigh's syndrome; Leigh Syndrome (mtDNA deletion); Subacute necrotizing encephalopathy; Necrotizing encephalopathy infantile subacute of Leigh; LEIGH SYNDROME, NUCLEAR; Leigh's necrotizing encephalopathy. Identifiers: Orphanet 506, MedGen C2931891, MONDO:0009723, OMIM 256000.

Allele frequency attached by ClinVar (database versions not stated): TOPMed 0.48852; 1000 Genomes Project 30x 0.50656.

Submissions (3):

Illumina Laboratory Services, Illumina
Classification: Benign for Leigh syndrome. Last evaluated: 2017-04-27. Review status: criteria provided, single submitter. Criteria: ICSL Variant Classification Criteria 13 December 2019. Collection method: clinical testing. Allele origin: germline.
Comment: This variant was observed as part of a predisposition screen in an ostensibly healthy population. A literature search was performed for the gene, cDNA change, and amino acid change (where applicable). No publications were found based on this search. Allele frequency data from public databases was too high to be consistent with this variant causing disease. Therefore, this variant is classified as benign.

GeneDx
Classification: Benign. Last evaluated: 2011-07-01. Review status: criteria provided, single submitter. Criteria: GeneDx Variant Classification (06012015). Collection method: clinical testing. Allele origin: germline. Affected: yes.
Comment: This variant is considered likely benign or benign based on one or more of the following criteria: it is a conservative change, it occurs at a poorly conserved position in the protein, it is predicted to be benign by multiple in silico algorithms, and/or has population frequency not consistent with disease.

Breakthrough Genomics
Classification: Benign. Review status: criteria provided, single submitter. Criteria: ACMG Guidelines, 2015. Collection method: not provided. Allele origin: germline. Inheritance: Autosomal recessive inheritance. Affected: yes.